The following is an entry in ClinVar:

ClinVar aggregate classification (germline): Uncertain significance. Review status: criteria provided, multiple submitters, no conflicts (2 of 4 stars). 2 submissions from 2 submitters: Uncertain significance (2). Last evaluated 2025-08-18.

Conditions:
Multiple endocrine neoplasia, type 1 (MEN1). Also called: MEN I; WERMER SYNDROME; Endocrine adenomatosis multiple; MEN 1; MEA I. Identifiers: Orphanet 652, MedGen C0025267, MeSH D018761, MONDO:0007540, OMIM 131100.
Hereditary cancer-predisposing syndrome. Also called: Tumor predisposition; Neoplastic Syndromes, Hereditary; Hereditary Cancer Syndrome; Hereditary neoplastic syndrome. Identifiers: Orphanet 140162, MedGen C0027672, MeSH D009386, MONDO:0015356.

gnomAD v4.1: 1 of 1,389,542 alleles (0.000072%); highest among the groups gnomAD compares: Non-Finnish European, 0.000096%; no homozygotes.

Submissions (2):

Labcorp Genetics (formerly Invitae), Labcorp
Classification: Uncertain significance for Multiple endocrine neoplasia, type 1. Last evaluated: 2025-08-18. Review status: criteria provided, single submitter. Criteria: Invitae Variant Classification Sherloc (09022015). Collection method: clinical testing. Allele origin: germline.
Comment: This sequence change replaces alanine, which is neutral and non-polar, with proline, which is neutral and non-polar, at codon 6 of the MEN1 protein (p.Ala6Pro). This variant is present in population databases (no rsID available, gnomAD 0.001%). This variant has not been reported in the literature in individuals affected with MEN1-related conditions. ClinVar contains an entry for this variant (Variation ID: 1778332). Invitae Evidence Modeling of protein sequence and biophysical properties (such as structural, functional, and spatial information, amino acid conservation, physicochemical variation, residue mobility, and thermodynamic stability) has been performed for this missense variant. However, the output from this modeling did not meet the statistical confidence thresholds required to predict the impact of this variant on MEN1 protein function. In summary, the available evidence is currently insufficient to determine the role of this variant in disease. Therefore, it has been classified as a Variant of Uncertain Significance.

Ambry Genetics
Classification: Uncertain significance for Hereditary cancer-predisposing syndrome. Last evaluated: 2021-01-05. Review status: criteria provided, single submitter. Criteria: Ambry Variant Classification Scheme 2023. Collection method: clinical testing. Allele origin: germline.
Comment: The p.A6P variant (also known as c.16G>C), located in coding exon 1 of the MEN1 gene, results from a G to C substitution at nucleotide position 16. The alanine at codon 6 is replaced by proline, an amino acid with highly similar properties. This amino acid position is well conserved in available vertebrate species. In addition, the in silico prediction for this alteration is inconclusive. Since supporting evidence is limited at this time, the clinical significance of this alteration remains unclear.

NM_001370259.2(MEN1):c.16G>C (p.Ala6Pro)

Gene: MEN1 (menin 1; minus strand). Cytogenetic location: 11q13.1.
Variant type: single nucleotide variant.
Coding change: c.16G>C on transcript NM_001370259.2 (MANE Select); coding-DNA position 16, G replaced by C.
Protein change: p.Ala6Pro; replaces alanine 6 with proline.
Molecular consequence: missense variant.
Genome position (GRCh38, 1-based): chr11:64,810,094, C>G on the plus strand (G>C on the coding strand, the complement: MEN1 is on the minus strand). VCF-style: chr11-64810094-C-G. GRCh37 (hg19) VCF-style: chr11-64577566-C-G.
Other names: c.16G>C, p.Ala6Pro (NM_000244.4, NM_001370251.2, NM_001370260.2 and 20 more transcripts); short protein forms A6P.
Identifiers: ClinVar variation 1778332 (VCV001778332.3), dbSNP rs966793401, ClinGen allele CA381188306.